The following is an entry in ClinVar:

NM_024757.5(EHMT1):c.85+35G>A

Gene: EHMT1 (euchromatic histone lysine methyltransferase 1; plus strand). Cytogenetic location: 9q34.3.
Variant type: single nucleotide variant.
Coding change: c.85+35G>A on transcript NM_024757.5 (MANE Select); 35 bases into the intron after coding-DNA position 85, G replaced by A.
Molecular consequence: intron variant.
Genome position (GRCh38, 1-based): chr9:137,711,065, G>A. VCF-style: chr9-137711065-G-A. GRCh37 (hg19) VCF-style: chr9-140605517-G-A.
Other names: c.85+35G>A (NM_001354263.2, NM_001145527.2, NM_001354611.2); c.-8-5561G>A (NM_001354259.2, NM_001354612.2).
Identifiers: ClinVar variation 1244125 (VCV001244125.24), dbSNP rs151087743, ClinGen allele CA5374142.

ClinVar aggregate classification (germline): Benign/Likely benign. Review status: criteria provided, multiple submitters, no conflicts (2 of 4 stars). 2 submissions from 2 submitters: Benign (1); Likely benign (1). Last evaluated 2025-09-01.

Allele frequency attached by ClinVar (database versions not stated): gnomAD exomes 0.00044 and 0.00059; gnomAD 0.00046; 1000 Genomes Project 30x 0.00047; ExAC 0.00053; 1000 Genomes Project 0.00060; TOPMed 0.00062.
gnomAD v4.1: 688 of 1,563,024 alleles (0.044%); highest among the groups gnomAD compares: East Asian, 0.21%; no homozygotes.

Submissions (2):

CeGaT Center for Human Genetics Tuebingen
Classification: Likely benign. Last evaluated: 2025-09-01. Review status: criteria provided, single submitter. Criteria: CeGaT Center For Human Genetics Tuebingen Variant Classification Criteria Version 2. Collection method: clinical testing. Allele origin: germline. Affected: yes. Observed: 3 variant alleles.
Comment: EHMT1: BS1

GeneDx
Classification: Benign. Last evaluated: 2020-04-04. Review status: criteria provided, single submitter. Criteria: GeneDx Variant Classification Process June 2021. Collection method: clinical testing. Allele origin: germline. Affected: yes.